The following is an entry in ClinVar:

ClinVar aggregate classification (germline): Uncertain significance. Review status: criteria provided, multiple submitters, no conflicts (2 of 4 stars). 3 submissions from 3 submitters: Uncertain significance (3). Last evaluated 2025-10-01.

Conditions:
Autosomal dominant Parkinson disease 8. Also called: Parkinson disease 8, susceptibility to; LRRK2-Related Parkinson Disease; Parkinson disease 8. Identifiers: Orphanet 411602, MedGen C1846862, MONDO:0011764, OMIM 607060.
Inborn genetic diseases. Identifiers: MedGen C0950123, MeSH D030342.

Allele frequency attached by ClinVar (database versions not stated): ExAC 0.00002; gnomAD exomes 0.00003 and 0.00010; gnomAD 0.00004; TOPMed 0.00010.
gnomAD v4.1: 51 of 1,606,286 alleles (0.0032%); highest among the groups gnomAD compares: Admixed American, 0.083%; no homozygotes.

Submissions (3):

Labcorp Genetics (formerly Invitae), Labcorp
Classification: Uncertain significance for Autosomal dominant Parkinson disease 8. Last evaluated: 2025-10-01. Review status: criteria provided, single submitter. Criteria: Invitae Variant Classification Sherloc (09022015). Collection method: clinical testing. Allele origin: germline.
Comment: This sequence change replaces methionine, which is neutral and non-polar, with valine, which is neutral and non-polar, at codon 516 of the LRRK2 protein (p.Met516Val). This variant is present in population databases (rs746747483, gnomAD 0.07%), and has an allele count higher than expected for a pathogenic variant. This variant has not been reported in the literature in individuals affected with LRRK2-related conditions. ClinVar contains an entry for this variant (Variation ID: 1406544). An algorithm developed to predict the effect of missense changes on protein structure and function (PolyPhen-2) suggests that this variant is likely to be tolerated. In summary, the available evidence is currently insufficient to determine the role of this variant in disease. Therefore, it has been classified as a Variant of Uncertain Significance.

Ambry Genetics
Classification: Uncertain significance for Inborn genetic diseases. Last evaluated: 2024-10-22. Review status: criteria provided, single submitter. Criteria: Ambry Variant Classification Scheme 2023. Collection method: clinical testing. Allele origin: germline.

Fulgent Genetics
Classification: Uncertain significance for Autosomal dominant Parkinson disease 8. Last evaluated: 2021-09-17. Review status: criteria provided, single submitter. Criteria: ACMG Guidelines, 2015. Collection method: clinical testing. Allele origin: unknown.

NM_198578.4(LRRK2):c.1546A>G (p.Met516Val)

Gene: LRRK2 (leucine rich repeat kinase 2; plus strand). Cytogenetic location: 12q12.
Variant type: single nucleotide variant.
Coding change: c.1546A>G on transcript NM_198578.4 (MANE Select); coding-DNA position 1546, A replaced by G.
Protein change: p.Met516Val; replaces methionine 516 with valine.
Molecular consequence: missense variant.
Genome position (GRCh38, 1-based): chr12:40,263,791, A>G. VCF-style: chr12-40263791-A-G. GRCh37 (hg19) VCF-style: chr12-40657593-A-G.
Other names: short protein forms M516V.
Identifiers: ClinVar variation 1406544 (VCV001406544.12), dbSNP rs746747483, ClinGen allele CA6513401.
Genomic context (GRCh38, chr12:40,263,791, plus strand): 5'-GTTCAACTCAAATGTTTATAAGAAAATTCTTTCTTTATTTATTTATCTGTGCATTTAGGC[A>G]TGCCAGAAGAATCCAGGGAGGATACAGAATTTCATCATAAGCTAAATATGGTTAAAAAAC-3'
Protein context (NP_940980.4, residues 506-526): RAILHFIVPG[Met516Val]PEESREDTEF